The following is an entry in ClinVar:

ClinVar aggregate classification (germline): Benign. Review status: criteria provided, multiple submitters, no conflicts (2 of 4 stars). 10 submissions from 10 submitters: Benign (7). 3 of the submissions do not count toward it. Last evaluated 2026-02-04.

Conditions:
Infantile cerebral and cerebellar atrophy with postnatal progressive microcephaly (MSBA). Identifiers: Orphanet 402364, MedGen C3150921, MONDO:0013351, OMIM 613668.

Allele frequency attached by ClinVar (database versions not stated): ESP Exome Variant Server 0.10979; TOPMed 0.10988; gnomAD 0.11178 and 0.11341; 1000 Genomes Project 0.11322; gnomAD exomes 0.11428 and 0.11586; 1000 Genomes Project 30x 0.11649; ExAC 0.11853.

Submissions (10):

Labcorp Genetics (formerly Invitae), Labcorp
Classification: Benign. Last evaluated: 2026-02-04. Review status: criteria provided, single submitter. Criteria: Invitae Variant Classification Sherloc (09022015). Collection method: clinical testing. Allele origin: germline.

Blueprint Genetics
Classification: Benign. Last evaluated: 2024-11-27. Review status: criteria provided, single submitter. Criteria: ACMG Guidelines, 2015. Collection method: clinical testing. Allele origin: germline.

Mayo Clinic Laboratories, Mayo Clinic
Classification: Benign. Last evaluated: 2022-03-24. Review status: criteria provided, single submitter. Criteria: ACMG Guidelines, 2015. Collection method: clinical testing. Allele origin: germline. Observed: 68 variant alleles.

Genome-Nilou Lab
Classification: Benign for Infantile cerebral and cerebellar atrophy with postnatal progressive microcephaly. Last evaluated: 2021-07-10. Review status: criteria provided, single submitter. Criteria: ACMG Guidelines, 2015. Collection method: clinical testing. Allele origin: germline. Affected: no.

GeneDx
Classification: Benign. Last evaluated: 2018-07-31. Review status: criteria provided, single submitter. Criteria: GeneDx Variant Classification Process June 2021. Collection method: clinical testing. Allele origin: germline. Affected: yes.

Clinical Genetics DNA and cytogenetics Diagnostics Lab, Erasmus MC, Erasmus Medical Center
Classification: Benign for Infantile cerebral and cerebellar atrophy with postnatal progressive microcephaly. Last evaluated: 2017-06-28. Review status: criteria provided, single submitter. Criteria: ACGS Guidelines, 2013. Collection method: clinical testing. Allele origin: germline. Affected: yes. Study: VKGL Data-share Consensus.

Breakthrough Genomics
Classification: Benign. Review status: criteria provided, single submitter. Criteria: ACMG Guidelines, 2015. Collection method: not provided. Allele origin: germline. Inheritance: Autosomal recessive inheritance. Affected: yes.

Natera, Inc.
Classification: Benign for Postnatal progressive microcephaly with seizures and brain atrophy. Last evaluated: 2019-11-21. Review status: no assertion criteria provided. Collection method: clinical testing. Allele origin: germline. Not counted in ClinVar's aggregate classification.

Diagnostic Laboratory, Department of Genetics, University Medical Center Groningen
Classification: Benign for Infantile cerebral and cerebellar atrophy with postnatal progressive microcephaly. Review status: no assertion criteria provided. Collection method: clinical testing. Allele origin: germline. Affected: yes. Study: VKGL Data-share Consensus. Not counted in ClinVar's aggregate classification.

Genetic Services Laboratory, University of Chicago
Classification: Likely benign for AllHighlyPenetrant. Review status: no assertion criteria provided. Collection method: clinical testing. Allele origin: germline. Inheritance: Autosomal recessive inheritance. Not counted in ClinVar's aggregate classification.
Comment: Likely benign based on allele frequency in 1000 Genomes Project or ESP global frequency and its presence in a patient with a rare or unrelated disease phenotype. NOT Sanger confirmed.

NM_004268.5(MED17):c.1092G>A (p.Pro364=)

Gene: MED17 (mediator complex subunit 17; plus strand). Cytogenetic location: 11q21.
Variant type: single nucleotide variant.
Coding change: c.1092G>A on transcript NM_004268.5 (MANE Select); coding-DNA position 1092, G replaced by A.
Protein change: p.Pro364=; no amino-acid change (proline 364 retained).
Molecular consequence: synonymous variant.
Genome position (GRCh38, 1-based): chr11:93,796,489, G>A. VCF-style: chr11-93796489-G-A. GRCh37 (hg19) VCF-style: chr11-93529655-G-A.
Other names: p.Pro364=.
Identifiers: ClinVar variation 129597 (VCV000129597.26), dbSNP rs34057693, ClinGen allele CA153672.